The following is an entry in ClinVar:

NM_024675.4(PALB2):c.2310C>T (p.Ala770=)

Gene: PALB2 (partner and localizer of BRCA2; minus strand). Cytogenetic location: 16p12.2.
Variant type: single nucleotide variant.
Coding change: c.2310C>T on transcript NM_024675.4 (MANE Select); coding-DNA position 2310, C replaced by T.
Protein change: p.Ala770=; no amino-acid change (alanine 770 retained).
Molecular consequence: synonymous variant. On other transcripts: intron variant (1).
Genome position (GRCh38, 1-based): chr16:23,629,844, G>A on the plus strand (C>T on the coding strand, the complement: PALB2 is on the minus strand). VCF-style: chr16-23629844-G-A. GRCh37 (hg19) VCF-style: chr16-23641165-G-A.
Other names: c.522C>T, p.Ala174= (NM_001407313.1, NM_001407312.1); c.49-569C>T (NM_001407314.1); c.1425C>T, p.Ala475= (NM_001407308.1, NM_001407309.1, NM_001407310.1 and 5 more transcripts); c.2250C>T, p.Ala750= (NM_001407296.1); c.2310C>T, p.Ala770= (NM_001407297.1, NM_001407298.1, NM_001407299.1 and 3 more transcripts).
Identifiers: ClinVar variation 3903706 (VCV003903706.1).

ClinVar aggregate classification (germline): Benign (1 of 4 stars; one submission).

Conditions:
Familial cancer of breast. Also called: Hereditary breast cancer; hereditary breast carcinoma; BREAST CANCER, FAMILIAL. Identifiers: Orphanet 227535, MedGen C0346153, MONDO:0016419, OMIM 114480. Disease mechanism: loss of function.

Submission:

Myriad Genetics, Inc.
Classification: Benign for Familial cancer of breast. Last evaluated: 2025-01-15. Review status: criteria provided, single submitter. Criteria: Myriad Autosomal Dominant, Autosomal Recessive and X-Linked Classification Criteria (2023). Collection method: clinical testing. Allele origin: unknown.
Comment: This variant is considered benign. This variant is a silent/synonymous amino acid change and it is not expected to impact splicing.